The following is an entry in ClinVar:

NM_001458.5(FLNC):c.1948C>G (p.Arg650Gly)

Gene: FLNC (filamin C; plus strand). Cytogenetic location: 7q32.1.
Variant type: single nucleotide variant.
Coding change: c.1948C>G on transcript NM_001458.5 (MANE Select); coding-DNA position 1948, C replaced by G.
Protein change: p.Arg650Gly; replaces arginine 650 with glycine.
Molecular consequence: missense variant.
Genome position (GRCh38, 1-based): chr7:128,841,304, C>G. VCF-style: chr7-128841304-C-G. GRCh37 (hg19) VCF-style: chr7-128481358-C-G.
Other names: c.1948C>G, p.Arg650Gly (NM_001127487.2); short protein forms R650G.
Identifiers: ClinVar variation 565776 (VCV000565776.9), dbSNP rs770606675, ClinGen allele CA4474538.

ClinVar aggregate classification (germline): Uncertain significance (1 of 4 stars; one submission).

Conditions:
Myofibrillar myopathy 5. Also called: Filaminopathy (type); FILAMINOPATHY, AUTOSOMAL DOMINANT. Identifiers: Orphanet 171445, MedGen C1836050, MONDO:0012289, OMIM 609524.
Distal myopathy with posterior leg and anterior hand involvement. Also called: WILLIAMS DISTAL MYOPATHY. Identifiers: Orphanet 63273, MedGen C3279722, MONDO:0013550, OMIM 614065.
Hypertrophic cardiomyopathy 26. Also called: Cardiomyopathy, familial hypertrophic, 26. Identifiers: Orphanet 75249, MedGen C4310749, MONDO:0014883, OMIM 617047.

Allele frequency attached by ClinVar (database versions not stated): gnomAD exomes below 0.00001; ExAC 0.00001; gnomAD 0.00001.
gnomAD v4.1: 3 of 1,613,968 alleles (0.00019%); no homozygotes.

Submission:

Labcorp Genetics (formerly Invitae), Labcorp
Classification: Uncertain significance for Distal myopathy with posterior leg and anterior hand involvement; Myofibrillar myopathy 5; Hypertrophic cardiomyopathy 26. Last evaluated: 2022-07-26. Review status: criteria provided, single submitter. Criteria: Invitae Variant Classification Sherloc (09022015). Collection method: clinical testing. Allele origin: germline.
Comment: ClinVar contains an entry for this variant (Variation ID: 565776). In summary, the available evidence is currently insufficient to determine the role of this variant in disease. Therefore, it has been classified as a Variant of Uncertain Significance. Algorithms developed to predict the effect of missense changes on protein structure and function (SIFT, PolyPhen-2, Align-GVGD) all suggest that this variant is likely to be tolerated. This variant has not been reported in the literature in individuals affected with FLNC-related conditions. This variant is present in population databases (rs770606675, gnomAD 0.0009%). This sequence change replaces arginine, which is basic and polar, with glycine, which is neutral and non-polar, at codon 650 of the FLNC protein (p.Arg650Gly).